The following is an entry in ClinVar:

NM_174878.3(CLRN1):c.571G>A (p.Val191Ile)

Gene: CLRN1 (clarin 1; minus strand). Cytogenetic location: 3q25.1.
Variant type: single nucleotide variant.
Coding change: c.571G>A on transcript NM_174878.3 (MANE Select); coding-DNA position 571, G replaced by A.
Protein change: p.Val191Ile; replaces valine 191 with isoleucine.
Molecular consequence: missense variant. On other transcripts: 3 prime UTR variant (1), non-coding transcript variant (1), splice donor variant (1).
Genome position (GRCh38, 1-based): chr3:150,928,064, C>T on the plus strand (G>A on the coding strand, the complement: CLRN1 is on the minus strand). VCF-style: chr3-150928064-C-T. GRCh37 (hg19) VCF-style: chr3-150645851-C-T.
Other names: c.610G>A, p.Val204Ile (NM_001195794.1); c.*185G>A (NM_001256819.2); c.342+1G>A (NM_052995.2); c.571G>A (NM_174878.2); short protein forms V191I, V204I.
Identifiers: ClinVar variation 286965 (VCV000286965.9), dbSNP rs777257033, ClinGen allele CA2666011.

ClinVar aggregate classification (germline): Uncertain significance. Review status: criteria provided, multiple submitters, no conflicts (2 of 4 stars). 5 submissions from 5 submitters: Uncertain significance (5). Last evaluated 2024-12-23.

Conditions:
Inborn genetic diseases. Identifiers: MedGen C0950123, MeSH D030342.

Allele frequency attached by ClinVar (database versions not stated): gnomAD exomes below 0.00001; ExAC 0.00001; TOPMed 0.00001; gnomAD 0.00002.

Submissions (5):

Ambry Genetics
Classification: Uncertain significance for Inborn genetic diseases. Last evaluated: 2024-12-23. Review status: criteria provided, single submitter. Criteria: Ambry Variant Classification Scheme 2023. Collection method: clinical testing. Allele origin: germline.

Blueprint Genetics
Classification: Uncertain significance. Last evaluated: 2024-10-28. Review status: criteria provided, single submitter. Criteria: ACMG Guidelines, 2015. Collection method: clinical testing. Allele origin: germline.

Women's Health and Genetics/Laboratory Corporation of America, LabCorp
Classification: Uncertain significance. Last evaluated: 2023-12-11. Review status: criteria provided, single submitter. Criteria: LabCorp Variant Classification Summary - May 2015. Collection method: clinical testing. Allele origin: germline.

Labcorp Genetics (formerly Invitae), Labcorp
Classification: Uncertain significance. Last evaluated: 2022-01-06. Review status: criteria provided, single submitter. Criteria: Invitae Variant Classification Sherloc (09022015). Collection method: clinical testing. Allele origin: germline.
Comment: This sequence change replaces valine, which is neutral and non-polar, with isoleucine, which is neutral and non-polar, at codon 191 of the CLRN1 protein (p.Val191Ile). This variant is present in population databases (rs777257033, gnomAD 0.002%). This variant has not been reported in the literature in individuals affected with CLRN1-related conditions. ClinVar contains an entry for this variant (Variation ID: 286965). Algorithms developed to predict the effect of missense changes on protein structure and function output the following: SIFT: "Tolerated"; PolyPhen-2: "Benign"; Align-GVGD: "Class C0". The isoleucine amino acid residue is found in multiple mammalian species, which suggests that this missense change does not adversely affect protein function. In summary, the available evidence is currently insufficient to determine the role of this variant in disease. Therefore, it has been classified as a Variant of Uncertain Significance.

Eurofins Ntd Llc (ga)
Classification: Uncertain significance. Last evaluated: 2016-04-05. Review status: criteria provided, single submitter. Criteria: EGL Classification Definitions 2015. Collection method: clinical testing. Allele origin: germline. Observed: 1 variant allele, 1 heterozygote.